The following is an entry in ClinVar:

ClinVar aggregate classification (germline): Uncertain significance (1 of 4 stars; one submission).

Conditions:
Brugada syndrome 8 (BRGDA8). Identifiers: Orphanet 130, MedGen C2751083, MONDO:0013148, OMIM 613123.

Allele frequency attached by ClinVar (database versions not stated): TOPMed 0.00001.

Submission:

Labcorp Genetics (formerly Invitae), Labcorp
Classification: Uncertain significance for Brugada syndrome 8. Last evaluated: 2024-02-23. Review status: criteria provided, single submitter. Criteria: Invitae Variant Classification Sherloc (09022015). Collection method: clinical testing. Allele origin: germline.
Comment: This sequence change replaces arginine, which is basic and polar, with glutamine, which is neutral and polar, at codon 700 of the HCN4 protein (p.Arg700Gln). This variant is not present in population databases (gnomAD no frequency). This variant has not been reported in the literature in individuals affected with HCN4-related conditions. Advanced modeling of protein sequence and biophysical properties (such as structural, functional, and spatial information, amino acid conservation, physicochemical variation, residue mobility, and thermodynamic stability) has been performed at Invitae for this missense variant, however the output from this modeling did not meet the statistical confidence thresholds required to predict the impact of this variant on HCN4 protein function. In summary, the available evidence is currently insufficient to determine the role of this variant in disease. Therefore, it has been classified as a Variant of Uncertain Significance.

NM_005477.3(HCN4):c.2099G>A (p.Arg700Gln)

Gene: HCN4 (hyperpolarization activated cyclic nucleotide gated potassium channel 4; minus strand). Cytogenetic location: 15q24.1.
Variant type: single nucleotide variant.
Coding change: c.2099G>A on transcript NM_005477.3 (MANE Select); coding-DNA position 2099, G replaced by A.
Protein change: p.Arg700Gln; replaces arginine 700 with glutamine.
Molecular consequence: missense variant.
Genome position (GRCh38, 1-based): chr15:73,324,133, C>T on the plus strand (G>A on the coding strand, the complement: HCN4 is on the minus strand). VCF-style: chr15-73324133-C-T. GRCh37 (hg19) VCF-style: chr15-73616474-C-T.
Other names: short protein forms R700Q.
Identifiers: ClinVar variation 2891289 (VCV002891289.3), dbSNP rs2042884511, ClinGen allele CA393089987.